The following is an entry in ClinVar:

ClinVar aggregate classification (germline): Uncertain significance. Review status: criteria provided, multiple submitters, no conflicts (2 of 4 stars). 2 submissions from 2 submitters: Uncertain significance (2). Last evaluated 2026-07-20.

Conditions:
Inborn genetic diseases. Identifiers: MedGen C0950123, MeSH D030342.

Allele frequency attached by ClinVar (database versions not stated): gnomAD 0.00002; TOPMed 0.00003; gnomAD exomes 0.00003.

Submissions (2):

Ambry Genetics
Classification: Uncertain significance for Inborn genetic diseases. Last evaluated: 2026-07-20. Review status: criteria provided, single submitter. Criteria: Ambry Variant Classification Scheme 2023. Collection method: clinical testing. Allele origin: germline.
Comment: The c.1094G>A (p.R365K) alteration is located in exon 3 (coding exon 3) of the IHH gene. This alteration results from a G to A substitution at nucleotide position 1094, causing the arginine (R) at amino acid position 365 to be replaced by a lysine (K). Based on data from gnomAD, the A allele has an overall frequency of <0.001% (1/248538) total alleles studied. The highest observed frequency was 0.001% (1/111432) of European (non-Finnish) alleles. Based on insufficient or conflicting evidence, the clinical significance of this alteration remains unclear.

Labcorp Genetics (formerly Invitae), Labcorp
Classification: Uncertain significance. Last evaluated: 2024-12-10. Review status: criteria provided, single submitter. Criteria: Invitae Variant Classification Sherloc (09022015). Collection method: clinical testing. Allele origin: germline.
Comment: This sequence change replaces arginine, which is basic and polar, with lysine, which is basic and polar, at codon 365 of the IHH protein (p.Arg365Lys). This variant is present in population databases (rs778358400, gnomAD 0.0009%). This variant has not been reported in the literature in individuals affected with IHH-related conditions. ClinVar contains an entry for this variant (Variation ID: 1464017). Invitae Evidence Modeling of protein sequence and biophysical properties (such as structural, functional, and spatial information, amino acid conservation, physicochemical variation, residue mobility, and thermodynamic stability) indicates that this missense variant is expected to disrupt IHH protein function with a positive predictive value of 80%. In summary, the available evidence is currently insufficient to determine the role of this variant in disease. Therefore, it has been classified as a Variant of Uncertain Significance.

NM_002181.4(IHH):c.1094G>A (p.Arg365Lys)

Gene: IHH (Indian hedgehog signaling molecule; minus strand). Cytogenetic location: 2q35.
Variant type: single nucleotide variant.
Coding change: c.1094G>A on transcript NM_002181.4 (MANE Select); coding-DNA position 1094, G replaced by A.
Protein change: p.Arg365Lys; replaces arginine 365 with lysine.
Molecular consequence: missense variant.
Genome position (GRCh38, 1-based): chr2:219,055,349, C>T on the plus strand (G>A on the coding strand, the complement: IHH is on the minus strand). VCF-style: chr2-219055349-C-T. GRCh37 (hg19) VCF-style: chr2-219920071-C-T.
Other names: c.1094G>A (NM_002181.3); short protein forms R365K.
Identifiers: ClinVar variation 1464017 (VCV001464017.9), dbSNP rs778358400, ClinGen allele CA65947730.